The following is an entry in ClinVar:

ClinVar aggregate classification (germline): Pathogenic (1 of 4 stars; one submission).

Conditions:
Marfan syndrome (MFS). Also called: MARFAN SYNDROME, TYPE I; Marfan syndrome type 1; Marfan's syndrome; Marfan syndrome, classic; FBN1-Related Marfan Syndrome. Identifiers: Orphanet 284963, Orphanet 558, MedGen C0024796, MONDO:0007947, OMIM 154700.
Familial thoracic aortic aneurysm and aortic dissection (TAAD). Also called: Thoracic aortic aneurysms and dissections. Identifiers: Orphanet 91387, MedGen C4707243, MONDO:0019625.

Submission:

Labcorp Genetics (formerly Invitae), Labcorp
Classification: Pathogenic for Marfan syndrome; Familial thoracic aortic aneurysm and aortic dissection. Last evaluated: 2023-10-13. Review status: criteria provided, single submitter. Criteria: Invitae Variant Classification Sherloc (09022015). Collection method: clinical testing. Allele origin: germline.
Comment: This sequence change affects a donor splice site in intron 46 of the FBN1 gene. It is expected to disrupt RNA splicing. Variants that disrupt the donor or acceptor splice site typically lead to a loss of protein function (PMID: 16199547), and loss-of-function variants in FBN1 are known to be pathogenic (PMID: 17657824, 19293843). This variant is not present in population databases (gnomAD no frequency). Disruption of this splice site has been observed in individuals with Marfan syndrome (PMID: 27906200, 29768367). Algorithms developed to predict the effect of sequence changes on RNA splicing suggest that this variant may create or strengthen a splice site. For these reasons, this variant has been classified as Pathogenic.

Literature cited by the submitters: PubMed 16199547; PubMed 17657824; PubMed 19293843; PubMed 27906200; PubMed 29768367.

NM_000138.5(FBN1):c.5671+2T>C

Gene: FBN1 (fibrillin 1; minus strand). Cytogenetic location: 15q21.1.
Variant type: single nucleotide variant.
Coding change: c.5671+2T>C on transcript NM_000138.5 (MANE Select); the canonical splice donor site of the intron after coding-DNA position 5671, T replaced by C.
Molecular consequence: splice donor variant.
Genome position (GRCh38, 1-based): chr15:48,448,766, A>G on the plus strand (T>C on the coding strand, the complement: FBN1 is on the minus strand). VCF-style: chr15-48448766-A-G. GRCh37 (hg19) VCF-style: chr15-48740963-A-G.
Other names: c.5671+2T>C (NM_001406716.1).
Identifiers: ClinVar variation 2952806 (VCV002952806.3), dbSNP rs2505463040, ClinGen allele CA392341623.